The following is an entry in ClinVar:

ClinVar aggregate classification (germline): Uncertain significance. Review status: criteria provided, multiple submitters, no conflicts (2 of 4 stars). 3 submissions from 3 submitters: Uncertain significance (3). Last evaluated 2026-01-14.

Conditions:
Anterior segment dysgenesis. Also called: Ocular anterior segment dysgenesis. Identifiers: Orphanet 88632, MedGen C1862839, MONDO:0019503, HP:0007700.
Congenital primary aphakia. Also called: ANTERIOR SEGMENT DYSGENESIS 2; Anterior segment dysgenesis 2, multiple subtypes. Identifiers: Orphanet 83461, MedGen C1853230, MONDO:0012456, OMIM 610256.
Cardiovascular phenotype. Identifiers: MedGen CN230736.

Submissions (3):

Labcorp Genetics (formerly Invitae), Labcorp
Classification: Uncertain significance for Anterior segment dysgenesis; Congenital primary aphakia. Last evaluated: 2026-01-14. Review status: criteria provided, single submitter. Criteria: Invitae Variant Classification Sherloc (09022015). Collection method: clinical testing. Allele origin: germline.
Comment: This variant, c.194_196dup, results in the insertion of 1 amino acid(s) of the FOXE3 protein (p.Arg65dup), but otherwise preserves the integrity of the reading frame. This variant is present in population databases (no rsID available, gnomAD 0.02%). This variant has not been reported in the literature in individuals affected with FOXE3-related conditions. Experimental studies and prediction algorithms are not available or were not evaluated, and the functional significance of this variant is currently unknown. In summary, the available evidence is currently insufficient to determine the role of this variant in disease. Therefore, it has been classified as a Variant of Uncertain Significance.

ARUP Laboratories, Molecular Genetics and Genomics, ARUP Laboratories
Classification: Uncertain significance. Last evaluated: 2025-03-27. Review status: criteria provided, single submitter. Criteria: ARUP Molecular Germline Variant Investigation Process 2024. Collection method: clinical testing. Allele origin: germline.
Comment: The FOXE3 c.194_196dup; p.Arg65dup variant (rs775343166), to our knowledge, is not reported in the medical literature but is reported in ClinVar (Variation ID: 1488538). This variant is only observed on two alleles in the Genome Aggregation Database (v2.1.1), but is considered a low confidence variant in the database. This variant duplicates a single arginine residue leaving the rest of the protein in-frame. Due to limited information, the clinical significance of this variant is uncertain at this time.

Ambry Genetics
Classification: Uncertain significance for Cardiovascular phenotype. Last evaluated: 2024-10-02. Review status: criteria provided, single submitter. Criteria: Ambry Variant Classification Scheme 2023. Collection method: clinical testing. Allele origin: germline.
Comment: The c.194_196dupGGC variant (also known as p.R65dup), located in coding exon 1 of the FOXE3 gene, results from an in-frame duplication of GGC at nucleotide positions 194 to 196. This results in the duplication of an extra residue between codons 65 and 66. This amino acid position is not well conserved in available vertebrate species. In addition, this alteration is predicted to be neutral by in silico analysis (Choi Y et al. PLoS ONE. 2012; 7(10):e46688). Based on the available evidence, the clinical significance of this variant remains unclear.

NM_012186.3(FOXE3):c.179GGC[7] (p.Arg65dup)

Genes: FOXE3 (forkhead box E3; plus strand), LINC01389 (long independently transcribed non-coding RNA 1389; minus strand). Cytogenetic location: 1p33.
Variant type: Microsatellite.
Coding change: c.179GGC[7] on transcript NM_012186.3 (MANE Select); seven copies in a row of the 3-base unit GGC starting at c.179; the reference has six copies in a row; one copy, 3 bases duplicated.
Protein change: p.Arg65dup; duplicates arginine 65.
Molecular consequence: inframe insertion.
Genome position (GRCh38, 1-based): chr1:47,416,509-47,416,511, GGC duplicated; duplicating any 3 consecutive bases within chr1:47,416,494-47,416,511 gives the same sequence; the position shown is the placement nearest the transcript's 3' end. VCF-style (leftmost placement, unchanged base first): chr1-47416493-G-GGGC. GRCh37 (hg19) VCF-style: chr1-47882165-G-GGGC.
Other names: c.194_196dupGGC (NM_012186.2).
Identifiers: ClinVar variation 1488538 (VCV001488538.10), dbSNP rs775343166, ClinGen allele CA522813459.
Genomic context (GRCh38, chr1:47,416,493, plus strand): 5'-GAGCCAGAGGAGGCGGCGGCTGGCCGCGGAGAGGCGGCCCCCACGCCCGCGCCCGGCCCG[G>GGGC]GGCGGCGGCGGCGGCGGCCCCTGCAGCGCGGGAAGCCGCCCTACTCGTACATCGCGCTCA-3'